The following is an entry in ClinVar:

NM_004655.4(AXIN2):c.1143G>T (p.Leu381=)

Gene: AXIN2 (axin 2; minus strand). Cytogenetic location: 17q24.1.
Variant type: single nucleotide variant.
Coding change: c.1143G>T on transcript NM_004655.4 (MANE Select); coding-DNA position 1143, G replaced by T.
Protein change: p.Leu381=; no amino-acid change (leucine 381 retained).
Molecular consequence: synonymous variant.
Genome position (GRCh38, 1-based): chr17:65,538,260, C>A on the plus strand (G>T on the coding strand, the complement: AXIN2 is on the minus strand). VCF-style: chr17-65538260-C-A. GRCh37 (hg19) VCF-style: chr17-63534378-C-A.
Other names: c.1143G>T, p.Leu381= (NM_001363813.1); c.1143G>T (NM_004655.3).
Identifiers: ClinVar variation 1590506 (VCV001590506.10), dbSNP rs1567757423, ClinGen allele CA501476324.

ClinVar aggregate classification (germline): Benign/Likely benign. Review status: criteria provided, multiple submitters, no conflicts (2 of 4 stars). 3 submissions from 3 submitters: Benign (1); Likely benign (2). Last evaluated 2026-08-16.

Conditions:
Oligodontia-cancer predisposition syndrome. Also called: TOOTH AGENESIS-COLORECTAL CANCER SYNDROME. Identifiers: Orphanet 300576, MedGen C1837750, MONDO:0012075, OMIM 608615. Disease mechanism: loss of function.
Hereditary cancer-predisposing syndrome. Also called: Tumor predisposition; Hereditary neoplastic syndrome; Neoplastic Syndromes, Hereditary; Hereditary Cancer Syndrome. Identifiers: Orphanet 140162, MedGen C0027672, MeSH D009386, MONDO:0015356.

Submissions (3):

Ambry Genetics
Classification: Likely benign for Hereditary cancer-predisposing syndrome. Last evaluated: 2026-08-16. Review status: criteria provided, single submitter. Criteria: Ambry Variant Classification Scheme 2023. Collection method: clinical testing. Allele origin: germline.

Myriad Genetics, Inc.
Classification: Benign for Oligodontia-cancer predisposition syndrome. Last evaluated: 2024-07-01. Review status: criteria provided, single submitter. Criteria: Myriad Autosomal Dominant, Autosomal Recessive and X-Linked Classification Criteria (2023). Collection method: clinical testing. Allele origin: unknown.
Comment: This variant is considered benign. This variant is a silent/synonymous amino acid change and it is not expected to impact splicing.

Labcorp Genetics (formerly Invitae), Labcorp
Classification: Likely benign for Oligodontia-cancer predisposition syndrome. Last evaluated: 2021-11-05. Review status: criteria provided, single submitter. Criteria: Invitae Variant Classification Sherloc (09022015). Collection method: clinical testing. Allele origin: germline.